The following is an entry in ClinVar:

NM_001433705.1(NLRP5):c.2421T>C (p.Cys807=)

Gene: NLRP5 (NLR family pyrin domain containing 5; plus strand). Cytogenetic location: 19q13.43.
Variant type: single nucleotide variant.
Coding change: c.2421T>C on transcript NM_001433705.1 (MANE Select); coding-DNA position 2421, T replaced by C.
Protein change: p.Cys807=; no amino-acid change (cysteine 807 retained).
Molecular consequence: synonymous variant.
Genome position (GRCh38, 1-based): chr19:56,033,668, T>C. VCF-style: chr19-56033668-T-C. GRCh37 (hg19) VCF-style: chr19-56545034-T-C.
Other names: NM_153447.4:c.2574T>C.
Identifiers: ClinVar variation 3052418 (VCV003052418.2), dbSNP rs199798290, ClinGen allele CA9685942.

ClinVar aggregate classification (germline): Likely benign (0 of 4 stars; one submission).

Conditions:
NLRP5-related disorder. Also called: NLRP5-related condition.

Allele frequency attached by ClinVar (database versions not stated): TOPMed 0.00089; gnomAD exomes 0.00012; 1000 Genomes Project 0.00080; gnomAD 0.00084; ExAC 0.00023; ESP Exome Variant Server 0.00057; 1000 Genomes Project 30x 0.00062.
gnomAD v4.1: 323 of 1,613,900 alleles (0.02%); highest among the groups gnomAD compares: African/African-American, 0.27%; 1 homozygote.

Submission:

PreventionGenetics, part of Exact Sciences
Classification: Likely benign for NLRP5-related condition. Last evaluated: 2019-08-14. Review status: no assertion criteria provided. Collection method: clinical testing. Allele origin: germline.
Comment: This variant is classified as likely benign based on ACMG/AMP sequence variant interpretation guidelines (Richards et al. 2015 PMID: 25741868, with internal and published modifications).